The following is an entry in ClinVar:

ClinVar aggregate classification (germline): Uncertain significance (1 of 4 stars; one submission).

Conditions:
Hypertrophic cardiomyopathy. Also called: HYPERTROPHIC MYOCARDIOPATHY. Identifiers: Orphanet 217569, MedGen C0007194, MeSH D002312, MONDO:0005045, HP:0001639.

Submission:

Labcorp Genetics (formerly Invitae), Labcorp
Classification: Uncertain significance for Hypertrophic cardiomyopathy. Last evaluated: 2025-11-25. Review status: criteria provided, single submitter. Criteria: Invitae Variant Classification Sherloc (09022015). Collection method: clinical testing. Allele origin: germline.
Comment: This sequence change replaces leucine, which is neutral and non-polar, with isoleucine, which is neutral and non-polar, at codon 1421 of the MYH7 protein (p.Leu1421Ile). This variant is not present in population databases (gnomAD no frequency). This variant has not been reported in the literature in individuals affected with MYH7-related conditions. Invitae Evidence Modeling of protein sequence and biophysical properties (such as structural, functional, and spatial information, amino acid conservation, physicochemical variation, residue mobility, and thermodynamic stability) indicates that this missense variant is expected to disrupt MYH7 protein function with a positive predictive value of 95%. In summary, the available evidence is currently insufficient to determine the role of this variant in disease. Therefore, it has been classified as a Variant of Uncertain Significance.

NM_000257.4(MYH7):c.4261C>A (p.Leu1421Ile)

Genes: MHRT (myosin heavy chain associated RNA transcript; plus strand), MYH7 (myosin heavy chain 7; minus strand). Cytogenetic location: 14q11.2.
Variant type: single nucleotide variant.
Coding change: c.4261C>A on transcript NM_000257.4 (MANE Select); coding-DNA position 4261, C replaced by A.
Protein change: p.Leu1421Ile; replaces leucine 1421 with isoleucine.
Molecular consequence: missense variant. On other transcripts: non-coding transcript variant (1).
Genome position (GRCh38, 1-based): chr14:23,417,595, G>T on the plus strand (C>A on the coding strand, the complement: MYH7 is on the minus strand). VCF-style: chr14-23417595-G-T. GRCh37 (hg19) VCF-style: chr14-23886804-G-T.
Other names: short protein forms L1421I.
Identifiers: ClinVar variation 4705116 (VCV004705116.1), dbSNP rs1595075319.